The following is an entry in ClinVar:

ClinVar aggregate classification (germline): Conflicting classifications of pathogenicity. Review status: criteria provided, conflicting classifications (1 of 4 stars). 2 submissions from 2 submitters: Uncertain significance (1); Likely benign (1). Last evaluated 2025-10-23.

Conditions:
Aortic valve disease 2 (AOVD2). Identifiers: MedGen C3542024, MONDO:0013902, OMIM 614823.

Allele frequency attached by ClinVar (database versions not stated): ExAC 0.00004; ESP Exome Variant Server 0.00023.
gnomAD v4.1: 30 of 1,611,648 alleles (0.0019%); highest among the groups gnomAD compares: Middle Eastern, 0.016%; no homozygotes.

Submissions (2):

Labcorp Genetics (formerly Invitae), Labcorp
Classification: Uncertain significance for Aortic valve disease 2. Last evaluated: 2025-10-23. Review status: criteria provided, single submitter. Criteria: Invitae Variant Classification Sherloc (09022015). Collection method: clinical testing. Allele origin: germline.
Comment: This sequence change falls in intron 2 of the SMAD6 gene. It does not directly change the encoded amino acid sequence of the SMAD6 protein. RNA analysis indicates that this variant induces altered splicing and likely results in a shortened protein product. This variant is present in population databases (rs375338619, gnomAD 0.02%). This variant has been observed in individual(s) with scaphocephaly (PMID: 36732661). ClinVar contains an entry for this variant (Variation ID: 2697785). Variants that disrupt the consensus splice site are a relatively common cause of aberrant splicing (PMID: 17576681, 9536098). Studies have shown that this variant results in skipping of exon 2, but is expected to preserve the integrity of the reading-frame (PMID: 36732661). In summary, the available evidence is currently insufficient to determine the role of this variant in disease. Therefore, it has been classified as a Variant of Uncertain Significance.

Blueprint Genetics
Classification: Likely benign. Last evaluated: 2023-04-13. Review status: criteria provided, single submitter. Criteria: ACMG Guidelines, 2015. Collection method: clinical testing. Allele origin: germline.

Literature cited by the submitters: PubMed 36732661 (cited by Labcorp Genetics (formerly Invitae), Labcorp); PubMed 17576681 (cited by Labcorp Genetics (formerly Invitae), Labcorp); PubMed 9536098 (cited by Labcorp Genetics (formerly Invitae), Labcorp).

NM_005585.5(SMAD6):c.874+4A>G

Gene: SMAD6 (SMAD family member 6; plus strand). Cytogenetic location: 15q22.31.
Variant type: single nucleotide variant.
Coding change: c.874+4A>G on transcript NM_005585.5 (MANE Select); 4 bases into the intron after coding-DNA position 874, A replaced by G.
Molecular consequence: intron variant.
Genome position (GRCh38, 1-based): chr15:66,711,728, A>G. VCF-style: chr15-66711728-A-G. GRCh37 (hg19) VCF-style: chr15-67004066-A-G.
Identifiers: ClinVar variation 2697785 (VCV002697785.4), dbSNP rs375338619, ClinGen allele CA7626605.